The following is an entry in ClinVar:

ClinVar aggregate classification (germline): Likely benign (1 of 4 stars; one submission).

Allele frequency attached by ClinVar (database versions not stated): 1000 Genomes Project 0.00339; 1000 Genomes Project 30x 0.00390; ESP Exome Variant Server 0.00530; ExAC 0.00573; gnomAD 0.00582; TOPMed 0.00611.
gnomAD v4.1: 15,073 of 1,613,458 alleles (0.93%); highest among the groups gnomAD compares: Non-Finnish European, 1.2%; 102 homozygotes.

Submission:

CeGaT Center for Human Genetics Tuebingen
Classification: Likely benign. Last evaluated: 2023-01-01. Review status: criteria provided, single submitter. Criteria: CeGaT Center For Human Genetics Tuebingen Variant Classification Criteria Version 2. Collection method: clinical testing. Allele origin: germline. Affected: yes. Observed: 1 variant allele.
Comment: FHIP2B: BP4, BS2

NM_022749.7(FHIP2B):c.1892G>A (p.Arg631Gln)

Gene: FHIP2B (FHF complex subunit HOOK interacting protein 2B; plus strand). Cytogenetic location: 8p21.3.
Variant type: single nucleotide variant.
Coding change: c.1892G>A on transcript NM_022749.7 (MANE Select); coding-DNA position 1892, G replaced by A.
Protein change: p.Arg631Gln; replaces arginine 631 with glutamine.
Molecular consequence: missense variant. On other transcripts: non-coding transcript variant (5).
Genome position (GRCh38, 1-based): chr8:22,102,215, G>A. VCF-style: chr8-22102215-G-A. GRCh37 (hg19) VCF-style: chr8-21959726-G-A.
Other names: c.1889G>A, p.Arg630Gln (NM_001354250.2); c.1718G>A, p.Arg573Gln (NM_001354251.2); short protein forms R573Q, R630Q, R631Q.
Identifiers: ClinVar variation 2658463 (VCV002658463.24), dbSNP rs113817175, ClinGen allele CA4661305.